The following is an entry in ClinVar:

ClinVar aggregate classification (germline): Uncertain significance. Review status: criteria provided, multiple submitters, no conflicts (2 of 4 stars). 2 submissions from 2 submitters: Uncertain significance (2). Last evaluated 2025-10-21.

Conditions:
Inborn genetic diseases. Identifiers: MedGen C0950123, MeSH D030342.

Submissions (2):

Ambry Genetics
Classification: Uncertain significance for Inborn genetic diseases. Last evaluated: 2025-10-21. Review status: criteria provided, single submitter. Criteria: Ambry Variant Classification Scheme 2023. Collection method: clinical testing. Allele origin: germline.
Comment: The c.1253+3_1253+4delAGinsGA intronic variant is located 3 nucleotides after coding exon 7 of the ETV6 gene. This variant results from an in-frame deletion of two nucleotides and the insertion of two nucleotides at positions c.1253+3 to c.1253+4. This nucleotide region is not well conserved in available vertebrate species. In silico splice site analysis predicts that this alteration will not have any significant effect on splicing. Based on the available evidence, the clinical significance of this variant remains unclear.

Labcorp Genetics (formerly Invitae), Labcorp
Classification: Uncertain significance. Last evaluated: 2024-05-24. Review status: criteria provided, single submitter. Criteria: Invitae Variant Classification Sherloc (09022015). Collection method: clinical testing. Allele origin: germline.
Comment: This sequence change falls in intron 7 of the ETV6 gene. It does not directly change the encoded amino acid sequence of the ETV6 protein. It affects a nucleotide within the consensus splice site. Information on the frequency of this variant in the gnomAD database is not available, as this variant may be reported differently in the database. This variant has not been reported in the literature in individuals affected with ETV6-related conditions. Variants that disrupt the consensus splice site are a relatively common cause of aberrant splicing (PMID: 17576681, 9536098). In summary, the available evidence is currently insufficient to determine the role of this variant in disease. Therefore, it has been classified as a Variant of Uncertain Significance.

Literature cited by the submitters: PubMed 17576681 (cited by Labcorp Genetics (formerly Invitae), Labcorp); PubMed 9536098 (cited by Labcorp Genetics (formerly Invitae), Labcorp).

NM_001987.5(ETV6):c.1253+3_1253+4delinsGA

Gene: ETV6 (ETS variant transcription factor 6; plus strand). Cytogenetic location: 12p13.2.
Variant type: Indel.
Coding change: c.1253+3_1253+4delinsGA on transcript NM_001987.5 (MANE Select); bases 3 to 4 of the intron after coding-DNA position 1253, AG replaced by GA.
Molecular consequence: intron variant.
Genome position (GRCh38, 1-based): chr12:11,886,029-11,886,030, AG replaced by GA. VCF-style: chr12-11886029-AG-GA. GRCh37 (hg19) VCF-style: chr12-12038963-AG-GA.
Other names: c.1250+3_1250+4delinsGA (NM_001413913.1); c.989+3_989+4delinsGA (NM_001413915.1); c.1010-4912_1010-4911delinsGA (NM_001413917.1); c.1226+3_1226+4delinsGA (NM_001413914.1); c.1253+3_1253+4delAGinsGA (NM_001987.4).
Identifiers: ClinVar variation 3668575 (VCV003668575.3).